The following is an entry in ClinVar:

ClinVar aggregate classification (germline): Uncertain significance (1 of 4 stars; one submission).

Conditions:
FADD-related immunodeficiency. Also called: Infections, recurrent, with encephalopathy, hepatic dysfunction, and cardiovascular malformations; FADD DEFICIENCY. Identifiers: Orphanet 306550, MedGen C3151062, MONDO:0013408, OMIM 613759.

Allele frequency attached by ClinVar (database versions not stated): TOPMed below 0.00001.

Submission:

Labcorp Genetics (formerly Invitae), Labcorp
Classification: Uncertain significance for FADD-related immunodeficiency. Last evaluated: 2022-07-18. Review status: criteria provided, single submitter. Criteria: Invitae Variant Classification Sherloc (09022015). Collection method: clinical testing. Allele origin: germline.
Comment: ClinVar contains an entry for this variant (Variation ID: 1050930). This variant has not been reported in the literature in individuals affected with FADD-related conditions. This variant is not present in population databases (gnomAD no frequency). This sequence change replaces aspartic acid, which is acidic and polar, with tyrosine, which is neutral and polar, at codon 81 of the FADD protein (p.Asp81Tyr). Algorithms developed to predict the effect of missense changes on protein structure and function are either unavailable or do not agree on the potential impact of this missense change (SIFT: "Deleterious"; PolyPhen-2: "Probably Damaging"; Align-GVGD: "Class C0"). In summary, the available evidence is currently insufficient to determine the role of this variant in disease. Therefore, it has been classified as a Variant of Uncertain Significance.

NM_003824.4(FADD):c.241G>T (p.Asp81Tyr)

Gene: FADD (Fas associated via death domain; plus strand). Cytogenetic location: 11q13.3.
Variant type: single nucleotide variant.
Coding change: c.241G>T on transcript NM_003824.4 (MANE Select); coding-DNA position 241, G replaced by T.
Protein change: p.Asp81Tyr; replaces aspartic acid 81 with tyrosine.
Molecular consequence: missense variant.
Genome position (GRCh38, 1-based): chr11:70,203,700, G>T. VCF-style: chr11-70203700-G-T. GRCh37 (hg19) VCF-style: chr11-70049806-G-T.
Other names: short protein forms D81Y.
Identifiers: ClinVar variation 1050930 (VCV001050930.11), dbSNP rs2049439412, ClinGen allele CA381665531.